The following is an entry in ClinVar:

ClinVar aggregate classification (germline): Uncertain significance (1 of 4 stars; one submission).

Conditions:
Bethlem myopathy 1A. Also called: Bethlem myopathy 1; MYOPATHY, BENIGN CONGENITAL, WITH CONTRACTURES; Bethlem Muscular Dystrophy. Identifiers: Orphanet 610, MedGen CN029274, MONDO:0024530, OMIM 158810.

Allele frequency attached by ClinVar (database versions not stated): ExAC 0.00001.
gnomAD v4.1: 2 of 1,614,090 alleles (0.00012%); highest among the groups gnomAD compares: Non-Finnish European, 0.000085%; no homozygotes.

Submission:

Labcorp Genetics (formerly Invitae), Labcorp
Classification: Uncertain significance for Bethlem myopathy 1A. Last evaluated: 2025-04-10. Review status: criteria provided, single submitter. Criteria: Invitae Variant Classification Sherloc (09022015). Collection method: clinical testing. Allele origin: germline.
Comment: This sequence change replaces glycine, which is neutral and non-polar, with alanine, which is neutral and non-polar, at codon 1510 of the COL6A3 protein (p.Gly1510Ala). This variant is present in population databases (rs750636146, gnomAD 0.0009%). This variant has not been reported in the literature in individuals affected with COL6A3-related conditions. ClinVar contains an entry for this variant (Variation ID: 2881449). Invitae Evidence Modeling of protein sequence and biophysical properties (such as structural, functional, and spatial information, amino acid conservation, physicochemical variation, residue mobility, and thermodynamic stability) indicates that this missense variant is expected to disrupt COL6A3 protein function with a positive predictive value of 80%. In summary, the available evidence is currently insufficient to determine the role of this variant in disease. Therefore, it has been classified as a Variant of Uncertain Significance.

NM_004369.4(COL6A3):c.4529G>C (p.Gly1510Ala)

Gene: COL6A3 (collagen type VI alpha 3 chain; minus strand). Cytogenetic location: 2q37.3.
Variant type: single nucleotide variant.
Coding change: c.4529G>C on transcript NM_004369.4 (MANE Select); coding-DNA position 4529, G replaced by C.
Protein change: p.Gly1510Ala; replaces glycine 1510 with alanine.
Molecular consequence: missense variant.
Genome position (GRCh38, 1-based): chr2:237,368,934, C>G on the plus strand (G>C on the coding strand, the complement: COL6A3 is on the minus strand). VCF-style: chr2-237368934-C-G. GRCh37 (hg19) VCF-style: chr2-238277577-C-G.
Other names: c.2708G>C, p.Gly903Ala (NM_057166.5); c.3911G>C, p.Gly1304Ala (NM_057167.4); short protein forms G903A, G1510A, G1304A.
Identifiers: ClinVar variation 2881449 (VCV002881449.3), dbSNP rs750636146, ClinGen allele CA2188868.
Genomic context (GRCh38, chr2:237,368,934, plus strand): 5'-TTAACAAAGAGGTTTCTTGCCACAAATTCGAGAGCCTTGCCAGTGTTCAGTGGGGACCCC[C>G]CTCTGAGCCTCAGGCGCCGTATGGCGTCCAGCACCGGGGCCTGGGATCTGTAGGTTTTCA-3'
Protein context (NP_004360.2, residues 1500-1520): LDAIRRLRLR[Gly1510Ala]GSPLNTGKAL